The following is an entry in ClinVar:

NM_003036.4(SKI):c.1357C>T (p.Arg453Trp)

Gene: SKI (SKI proto-oncogene; plus strand). Cytogenetic location: 1p36.32.
Variant type: single nucleotide variant.
Coding change: c.1357C>T on transcript NM_003036.4 (MANE Select); coding-DNA position 1357, C replaced by T.
Protein change: p.Arg453Trp; replaces arginine 453 with tryptophan.
Molecular consequence: missense variant.
Genome position (GRCh38, 1-based): chr1:2,303,985, C>T. VCF-style: chr1-2303985-C-T. GRCh37 (hg19) VCF-style: chr1-2235424-C-T.
Other names: short protein forms R453W.
Identifiers: ClinVar variation 3223053 (VCV003223053.4), dbSNP rs745779877, ClinGen allele CA337955424.

ClinVar aggregate classification (germline): Uncertain significance. Review status: criteria provided, multiple submitters, no conflicts (2 of 4 stars). 2 submissions from 2 submitters: Uncertain significance (2). Last evaluated 2025-11-04.

Conditions:
Familial thoracic aortic aneurysm and aortic dissection (TAAD). Also called: Thoracic aortic aneurysms and dissections. Identifiers: Orphanet 91387, MedGen C4707243, MONDO:0019625.
Shprintzen-Goldberg syndrome (SGS). Also called: SHPRINTZEN-GOLDBERG CRANIOSYNOSTOSIS SYNDROME; CRANIOSYNOSTOSIS WITH ARACHNODACTYLY AND ABDOMINAL HERNIAS; Marfanoid disorder with craniosynostosis type 1; Marfanoid craniosynostosis syndrome; Shprintzen-Goldberg marfanoid syndrome. Identifiers: Orphanet 2462, MedGen C1321551, MONDO:0008426, OMIM 182212.

Allele frequency attached by ClinVar (database versions not stated): gnomAD exomes 0.00001.
gnomAD v4.1: 6 of 1,612,504 alleles (0.00037%); highest among the groups gnomAD compares: Non-Finnish European, 0.00051%; no homozygotes.

Submissions (2):

Ambry Genetics
Classification: Uncertain significance for Familial thoracic aortic aneurysm and aortic dissection. Last evaluated: 2025-11-04. Review status: criteria provided, single submitter. Criteria: Ambry Variant Classification Scheme 2023. Collection method: clinical testing. Allele origin: germline.
Comment: The p.R453W variant (also known as c.1357C>T), located in coding exon 4 of the SKI gene, results from a C to T substitution at nucleotide position 1357. The arginine at codon 453 is replaced by tryptophan, an amino acid with dissimilar properties. This amino acid position is conserved. In addition, the in silico prediction for this alteration is inconclusive. Since supporting evidence is limited at this time, the clinical significance of this alteration remains unclear.

Labcorp Genetics (formerly Invitae), Labcorp
Classification: Uncertain significance for Shprintzen-Goldberg syndrome. Last evaluated: 2024-11-27. Review status: criteria provided, single submitter. Criteria: Invitae Variant Classification Sherloc (09022015). Collection method: clinical testing. Allele origin: germline.
Comment: This sequence change replaces arginine, which is basic and polar, with tryptophan, which is neutral and slightly polar, at codon 453 of the SKI protein (p.Arg453Trp). This variant is not present in population databases (gnomAD no frequency). This variant has not been reported in the literature in individuals affected with SKI-related conditions. ClinVar contains an entry for this variant (Variation ID: 3223053). Invitae Evidence Modeling of protein sequence and biophysical properties (such as structural, functional, and spatial information, amino acid conservation, physicochemical variation, residue mobility, and thermodynamic stability) indicates that this missense variant is not expected to disrupt SKI protein function with a negative predictive value of 95%. In summary, the available evidence is currently insufficient to determine the role of this variant in disease. Therefore, it has been classified as a Variant of Uncertain Significance.